The following is an entry in ClinVar:

ClinVar aggregate classification (germline): Uncertain significance (1 of 4 stars; one submission).

Submission:

Ambry Genetics
Classification: Uncertain significance. Last evaluated: 2026-05-19. Review status: criteria provided, single submitter. Criteria: Ambry Variant Classification Scheme 2023. Collection method: clinical testing. Allele origin: germline.
Comment: The p.M39R variant (also known as c.116T>G), located in coding exon 2 of the RAD51B gene, results from a T to G substitution at nucleotide position 116. The methionine at codon 39 is replaced by arginine, an amino acid with similar properties. This amino acid position is conserved. In addition, this alteration is predicted to be deleterious by in silico analysis. Based on the available evidence, the clinical significance of this variant remains unclear.

NM_133510.4(RAD51B):c.116T>G (p.Met39Arg)

Gene: RAD51B (RAD51 paralog B; plus strand). Cytogenetic location: 14q24.1.
Variant type: single nucleotide variant.
Coding change: c.116T>G on transcript NM_133510.4 (MANE Select); coding-DNA position 116, T replaced by G.
Protein change: p.Met39Arg; replaces methionine 39 with arginine.
Molecular consequence: missense variant. On other transcripts: initiator codon variant (1), 5 prime UTR variant (1).
Genome position (GRCh38, 1-based): chr14:67,825,495, T>G. VCF-style: chr14-67825495-T-G. GRCh37 (hg19) VCF-style: chr14-68292212-T-G.
Other names: c.116T>G, p.Met39Arg (NM_001321809.2, NM_001321810.2, NM_001321812.1 and 6 more transcripts); c.2T>G, p.Met1Arg (NM_001321815.1); c.-340T>G (NM_001321817.2); short protein forms M1R, M39R.
Identifiers: ClinVar variation 4862913 (VCV004862913.1).